The following is an entry in ClinVar:

NM_003823.4(TNFRSF6B):c.550C>T (p.Pro184Ser)

Genes: RTEL1-TNFRSF6B (RTEL1-TNFRSF6B readthrough (NMD candidate); plus strand), TNFRSF6B (TNF receptor superfamily member 6b; plus strand). Cytogenetic location: 20q13.33.
Variant type: single nucleotide variant.
Coding change: c.550C>T on transcript NM_003823.4 (MANE Select); coding-DNA position 550, C replaced by T.
Protein change: p.Pro184Ser; replaces proline 184 with serine.
Molecular consequence: missense variant. On other transcripts: non-coding transcript variant (1).
Genome position (GRCh38, 1-based): chr20:63,697,453, C>T. VCF-style: chr20-63697453-C-T. GRCh37 (hg19) VCF-style: chr20-62328806-C-T.
Other names: short protein forms P184S.
Identifiers: ClinVar variation 2012901 (VCV002012901.4), dbSNP rs1439673412, ClinGen allele CA409711684.
Genomic context (GRCh38, chr20:63,697,453, plus strand): 5'-AGCTCAGAGCAGTGCCAGCCCCACCGCAACTGCACGGCCCTGGGCCTGGCCCTCAATGTG[C>T]CAGGCTCTTCCTCCCATGACACCCTGTGCACCAGCTGCACTGGCTTCCCCCTCAGCACCA-3'
Protein context (NP_003814.1, residues 174-194): CTALGLALNV[Pro184Ser]GSSSHDTLCT

ClinVar aggregate classification (germline): Uncertain significance (1 of 4 stars; one submission).

Submission:

Labcorp Genetics (formerly Invitae), Labcorp
Classification: Uncertain significance. Last evaluated: 2022-07-15. Review status: criteria provided, single submitter. Criteria: Invitae Variant Classification Sherloc (09022015). Collection method: clinical testing. Allele origin: germline.
Comment: In summary, the available evidence is currently insufficient to determine the role of this variant in disease. Therefore, it has been classified as a Variant of Uncertain Significance. Algorithms developed to predict the effect of missense changes on protein structure and function (SIFT, PolyPhen-2, Align-GVGD) all suggest that this variant is likely to be tolerated. This variant has not been reported in the literature in individuals affected with TNFRSF6B-related conditions. This variant is not present in population databases (gnomAD no frequency). This sequence change replaces proline, which is neutral and non-polar, with serine, which is neutral and polar, at codon 184 of the TNFRSF6B protein (p.Pro184Ser).